The following is an entry in ClinVar:

NM_000057.4(BLM):c.1367C>T (p.Ser456Leu)

Gene: BLM (BLM RecQ like helicase; plus strand). Cytogenetic location: 15q26.1.
Variant type: single nucleotide variant.
Coding change: c.1367C>T on transcript NM_000057.4 (MANE Select); coding-DNA position 1367, C replaced by T.
Protein change: p.Ser456Leu; replaces serine 456 with leucine.
Molecular consequence: missense variant.
Genome position (GRCh38, 1-based): chr15:90,760,740, C>T. VCF-style: chr15-90760740-C-T. GRCh37 (hg19) VCF-style: chr15-91303970-C-T.
Other names: c.1367C>T, p.Ser456Leu (NM_001287246.2, NM_001287247.2); c.242C>T, p.Ser81Leu (NM_001287248.2); short protein forms S456L, S81L.
Identifiers: ClinVar variation 2797441 (VCV002797441.3), dbSNP rs2505425084, ClinGen allele CA393842912.

ClinVar aggregate classification (germline): Uncertain significance (1 of 4 stars; one submission).

Conditions:
Bloom syndrome (BLM). Also called: Bloom-Torre-Machacek syndrome. Identifiers: Orphanet 125, MedGen C0005859, MONDO:0008876, OMIM 210900.

Allele frequency attached by ClinVar (database versions not stated): gnomAD exomes below 0.00001.
gnomAD v4.1: 3 of 1,614,048 alleles (0.00019%); highest among the groups gnomAD compares: Non-Finnish European, 0.00025%; no homozygotes.

Submission:

Labcorp Genetics (formerly Invitae), Labcorp
Classification: Uncertain significance for Bloom syndrome. Last evaluated: 2023-03-17. Review status: criteria provided, single submitter. Criteria: Invitae Variant Classification Sherloc (09022015). Collection method: clinical testing. Allele origin: germline.
Comment: In summary, the available evidence is currently insufficient to determine the role of this variant in disease. Therefore, it has been classified as a Variant of Uncertain Significance. This sequence change replaces serine, which is neutral and polar, with leucine, which is neutral and non-polar, at codon 456 of the BLM protein (p.Ser456Leu). This variant is not present in population databases (gnomAD no frequency). This variant has not been reported in the literature in individuals affected with BLM-related conditions. Advanced modeling of protein sequence and biophysical properties (such as structural, functional, and spatial information, amino acid conservation, physicochemical variation, residue mobility, and thermodynamic stability) performed at Invitae indicates that this missense variant is not expected to disrupt BLM protein function.